The following is an entry in ClinVar:

ClinVar aggregate classification (germline): Pathogenic/Likely pathogenic. Review status: criteria provided, multiple submitters, no conflicts (2 of 4 stars). 12 submissions from 12 submitters: Pathogenic (9); Likely pathogenic (1). 2 of the submissions do not count toward it. Last evaluated 2026-06-25.

Conditions:
Joubert syndrome 17 (JBTS17). Identifiers: Orphanet 475, MedGen C3553264, MONDO:0013824, OMIM 614615.
Orofaciodigital syndrome type 6 (OFD6). Also called: Oral-facial-digital syndrome type 6; Central polydactyly cleft lip/palate or lingual lump and psychomotor retardation; Y-shaped central metacarpal and cerebellar defect; Joubert syndrome with orofacialdigital anomalies; OROFACIODIGITAL SYNDROME VI; OFDS VI. Identifiers: Orphanet 2754, MedGen C2745997, MONDO:0010176, OMIM 277170.
C5ORF42 & CPLANE1-related disorders.
Inborn genetic diseases. Identifiers: MedGen C0950123, MeSH D030342.
Joubert syndrome and related disorders. Identifiers: Orphanet 140874, MedGen C5679612, MONDO:0015369.
Joubert syndrome. Also called: JOUBERT-BOLTSHAUSER SYNDROME; Familial aplasia of the vermis. Identifiers: Orphanet 475, MedGen C5979921, MONDO:0018772.

Allele frequency attached by ClinVar (database versions not stated): gnomAD 0.00019; TOPMed 0.00019; 1000 Genomes Project 0.00040; gnomAD exomes 0.00002 and 0.00003; ESP Exome Variant Server 0.00023; 1000 Genomes Project 30x 0.00031; ExAC 0.00006.
gnomAD v4.1: 55 of 1,592,296 alleles (0.0035%); highest among the groups gnomAD compares: African/African-American, 0.064%; no homozygotes.

Submissions (12):

Ambry Genetics
Classification: Pathogenic for Inborn genetic diseases. Last evaluated: 2026-06-25. Review status: criteria provided, single submitter. Criteria: Ambry Variant Classification Scheme 2023. Collection method: clinical testing. Allele origin: germline.
Comment: The c.9058C>T (p.R3020*) alteration, located in exon 49 (coding exon 48) of the CPLANE1 gene, consists of a C to T substitution at nucleotide position 9058. This changes the amino acid from an arginine (R) to a stop codon at amino acid position 3020. This variant is expected to result in loss of function by premature protein truncation or nonsense-mediated mRNA decay. Based on data from gnomAD, the T allele has an overall frequency of 0.004% (11/260162) total alleles studied. The highest observed frequency was 0.045% (11/24212) of African alleles. This variant has been identified in conjunction with another CPLANE1 variant in a family with features consistent with CPLANE1-related ciliopathy (Bachmann-Gagescu, 2015). Based on the available evidence, this alteration is classified as pathogenic.

Labcorp Genetics (formerly Invitae), Labcorp
Classification: Pathogenic. Last evaluated: 2025-09-28. Review status: criteria provided, single submitter. Criteria: Invitae Variant Classification Sherloc (09022015). Collection method: clinical testing. Allele origin: germline.
Comment: This sequence change creates a premature translational stop signal (p.Arg3020*) in the CPLANE1 gene. It is expected to result in an absent or disrupted protein product. Loss-of-function variants in CPLANE1 are known to be pathogenic (PMID: 24178751, 26092869). This variant is present in population databases (rs374144275, gnomAD 0.05%). This premature translational stop signal has been observed in individual(s) with Joubert syndrome (PMID: 26092869). ClinVar contains an entry for this variant (Variation ID: 217569). Algorithms developed to predict the effect of sequence changes on RNA splicing suggest that this variant may disrupt the consensus splice site. For these reasons, this variant has been classified as Pathogenic.

Women's Health and Genetics/Laboratory Corporation of America, LabCorp
Classification: Pathogenic for Joubert syndrome and related disorders. Last evaluated: 2025-09-11. Review status: criteria provided, single submitter. Criteria: LabCorp Variant Classification Summary - May 2015. Collection method: clinical testing. Allele origin: germline.
Comment: Variant summary: CPLANE1 c.9058C>T (p.Arg3020X) results in a premature termination codon, predicted to cause a truncation of the encoded protein or absence of the protein due to nonsense mediated decay, which are commonly known mechanisms for disease. The variant was absent in 260162 control chromosomes. c.9058C>T has been observed in at least one compound heterozygous individual affected with Joubert Syndrome And Related Disorders (e.g. Bachmann-Gagescu_2015). To our knowledge, no experimental evidence demonstrating an impact on protein function has been reported. The following publication has been ascertained in the context of this evaluation (PMID: 26092869). ClinVar contains an entry for this variant (Variation ID: 217569). Based on the evidence outlined above, the variant was classified as pathogenic.

OLLIN Analises Genomicas, OLLIN
Classification: Pathogenic for Joubert syndrome 17. Last evaluated: 2025-08-14. Review status: criteria provided, single submitter. Criteria: ACMG Guidelines 2015 PMID 25741868. Collection method: clinical testing. Allele origin: germline. Affected: yes. Observed: 1 variant allele.
Comment: The frameshift variant (chr5:37244451AT>A), located in exon 5 (of 52), is reported in ClinVar (VCV000157513.28), in gnomAD v4.1 non-UKB with an allele frequency of 0.014% (no homozygotes), and in the scientific literature, also in compound heterozygosity, in individuals with Joubert syndrome (PMID: 25920555, 26092869, 28289185, 25407461, 29321670). This variant promotes a frameshift with subsequent introduction of a premature stop codon, resulting in a truncated protein or mRNA degradation via nonsense-mediated decay (NMD). According to currently available evidence, this variant has been classified as pathogenic (PVS1, PM2_P, PM3_VS).

Fulgent Genetics
Classification: Pathogenic for Orofaciodigital syndrome type 6; Joubert syndrome 17. Last evaluated: 2024-01-05. Review status: criteria provided, single submitter. Criteria: ACMG Guidelines, 2015. Collection method: clinical testing. Allele origin: germline.

Blueprint Genetics
Classification: Likely pathogenic for C5ORF42 & CPLANE1-related disorders. Last evaluated: 2022-11-09. Review status: criteria provided, single submitter. Criteria: ACMG Guidelines, 2015. Collection method: clinical testing. Allele origin: germline. Affected: yes. Observed: 5 variant alleles.

Dasa
Classification: Pathogenic for Joubert syndrome. Last evaluated: 2022-03-05. Review status: criteria provided, single submitter. Criteria: ACMG Guidelines, 2015. Collection method: clinical testing. Allele origin: germline. Affected: yes. Observed: 1 variant allele.
Comment: The c.9058C>T;p.(Arg3020*) variant creates a premature translational stop signal in the CPLANE1 gene. It is expected to result in an absent or disrupted protein product - PVS1. This sequence change has been observed in affected individual(s) and ClinVar contains an entry for this variant (ClinVar ID: 217569; PMID: 26092869) - PS4_moderate. The variant is present at low allele frequencies population databases (rs374144275 – gnomAD 0.0004228%; ABraOM no frequency) - PM2_supporting. The p.(Arg3020*) was detected in trans with a pathogenic variant (PMID: 26092869) - PM3. In summary, the currently available evidence indicates that the variant is pathogenic.

GeneDx
Classification: Pathogenic. Last evaluated: 2021-10-27. Review status: criteria provided, single submitter. Criteria: GeneDx Variant Classification Process June 2021. Collection method: clinical testing. Allele origin: germline. Affected: yes.
Comment: Nonsense variant predicted to result in protein truncation or nonsense mediated decay in a gene for which loss-of-function is a known mechanism of disease; This variant is associated with the following publications: (PMID: 26092869)

Laboratorio de Genetica e Diagnostico Molecular, Hospital Israelita Albert Einstein
Classification: Pathogenic. Last evaluated: 2020-11-25. Review status: criteria provided, single submitter. Criteria: ACMG Guidelines, 2015. Collection method: clinical testing. Allele origin: germline. Affected: yes.
Comment: ACMG classification criteria: PVS1, PS4, PM2, PM3

UW Hindbrain Malformation Research Program, University of Washington
Classification: Pathogenic for Joubert syndrome 17. Last evaluated: 2015-02-23. Review status: criteria provided, single submitter. Criteria: Bachmann-Gagescu et al. (J Med Genet. 2015). Collection method: research. Allele origin: unknown. Affected: yes.

Clinical Genetics DNA and cytogenetics Diagnostics Lab, Erasmus MC, Erasmus Medical Center
Classification: Pathogenic. Review status: no assertion criteria provided. Collection method: clinical testing. Allele origin: germline. Affected: yes. Study: VKGL Data-share Consensus. Not counted in ClinVar's aggregate classification.

Diagnostic Laboratory, Department of Genetics, University Medical Center Groningen
Classification: Pathogenic. Review status: no assertion criteria provided. Collection method: clinical testing. Allele origin: germline. Affected: yes. Study: VKGL Data-share Consensus. Not counted in ClinVar's aggregate classification.

Literature cited by the submitters: PubMed 26092869 (cited by 5 submitters); PubMed 24178751 (cited by Labcorp Genetics (formerly Invitae), Labcorp); PubMed 25920555 (cited by OLLIN Analises Genomicas, OLLIN); PubMed 28289185 (cited by OLLIN Analises Genomicas, OLLIN); PubMed 25407461 (cited by OLLIN Analises Genomicas, OLLIN); PubMed 29321670 (cited by OLLIN Analises Genomicas, OLLIN).

NM_001384732.1(CPLANE1):c.9220C>T (p.Arg3074Ter)

Gene: CPLANE1 (ciliogenesis and planar polarity effector complex subunit 1; minus strand). Cytogenetic location: 5p13.2.
Variant type: single nucleotide variant.
Coding change: c.9220C>T on transcript NM_001384732.1 (MANE Select); coding-DNA position 9220, C replaced by T.
Protein change: p.Arg3074Ter; replaces arginine 3074 with a stop codon.
Molecular consequence: nonsense.
Genome position (GRCh38, 1-based): chr5:37,120,306, G>A on the plus strand (C>T on the coding strand, the complement: CPLANE1 is on the minus strand). VCF-style: chr5-37120306-G-A. GRCh37 (hg19) VCF-style: chr5-37120408-G-A.
Other names: c.9058C>T, p.Arg3020Ter (NM_023073.4); short protein forms R3020*, R3074*.
Identifiers: ClinVar variation 217569 (VCV000217569.32), dbSNP rs374144275, ClinGen allele CA277758.